The following is an entry in ClinVar:

ClinVar aggregate classification (germline): Uncertain significance (1 of 4 stars; one submission).

Conditions:
Developmental and epileptic encephalopathy, 1 (DEE1). Also called: X-linked infantile spasms; West's syndrome; Tonic spasms with clustering, arrest of psychomotor development and hypsarrhythmia on EEG; X-Linked Infantile Spasm Syndrome; INFANTILE SPASM SYNDROME, X-LINKED 1; OHTAHARA SYNDROME, X-LINKED. Identifiers: MedGen C3463992, MONDO:0010632, OMIM 308350. Disease mechanism: loss of function.
Autosomal recessive spinocerebellar ataxia 12. Also called: SPINOCEREBELLAR ATAXIA WITH MENTAL RETARDATION AND EPILEPSY. Identifiers: Orphanet 284282, MedGen C3280452, MONDO:0013687, OMIM 614322.

Allele frequency attached by ClinVar (database versions not stated): gnomAD exomes 0.00001.
gnomAD v4.1: 9 of 1,612,526 alleles (0.00056%); highest among the groups gnomAD compares: South Asian, 0.0022%; no homozygotes.

Submission:

Labcorp Genetics (formerly Invitae), Labcorp
Classification: Uncertain significance for Developmental and epileptic encephalopathy, 1; Autosomal recessive spinocerebellar ataxia 12. Last evaluated: 2022-03-27. Review status: criteria provided, single submitter. Criteria: Invitae Variant Classification Sherloc (09022015). Collection method: clinical testing. Allele origin: germline.
Comment: This sequence change affects codon 264 of the WWOX mRNA. It is a 'silent' change, meaning that it does not change the encoded amino acid sequence of the WWOX protein. It affects a nucleotide within the consensus splice site. This variant is present in population databases (no rsID available, gnomAD 0.0009%). In summary, the available evidence is currently insufficient to determine the role of this variant in disease. Therefore, it has been classified as a Variant of Uncertain Significance. Algorithms developed to predict the effect of sequence changes on RNA splicing suggest that this variant is not likely to affect RNA splicing. This variant has not been reported in the literature in individuals affected with WWOX-related conditions.

NM_016373.4(WWOX):c.792A>G (p.Arg264=)

Gene: WWOX (WW domain containing oxidoreductase; plus strand). Cytogenetic location: 16q23.1.
Variant type: single nucleotide variant.
Coding change: c.792A>G on transcript NM_016373.4 (MANE Select); coding-DNA position 792, A replaced by G.
Protein change: p.Arg264=; no amino-acid change (arginine 264 retained).
Molecular consequence: synonymous variant.
Genome position (GRCh38, 1-based): chr16:78,432,488, A>G. VCF-style: chr16-78432488-A-G. GRCh37 (hg19) VCF-style: chr16-78466385-A-G.
Other names: c.453A>G, p.Arg151= (NM_001291997.2).
Identifiers: ClinVar variation 2117972 (VCV002117972.2), dbSNP rs1484255151, ClinGen allele CA496609425.
Genomic context (GRCh38, chr16:78,432,488, plus strand): 5'-TAAAAAGCTGTGTGGGAAGTCAGAACTTGGTTGCTTCATGTCATATTTCCTATTTTTAAG[A>G]TTTACAGATATTAACGACTCCTTGGGAAAACTGGACTTCAGTCGCCTCTCTCCAACAAAA-3'
Protein context (NP_057457.1, residues 254-274): RVIVVSSESH[Arg264=]FTDINDSLGK